The following is an entry in ClinVar:

NM_000044.6(AR):c.2740C>T (p.Pro914Ser)

Gene: AR (androgen receptor; plus strand). Cytogenetic location: Xq12.
Variant type: single nucleotide variant.
Coding change: c.2740C>T on transcript NM_000044.6 (MANE Select); coding-DNA position 2740, C replaced by T.
Protein change: p.Pro914Ser; replaces proline 914 with serine.
Molecular consequence: missense variant.
Genome position (GRCh38, 1-based): chrX:67,723,818, C>T. VCF-style: chrX-67723818-C-T. GRCh37 (hg19) VCF-style: chrX-66943660-C-T.
Other names: c.1144C>T, p.Pro382Ser (NM_001011645.3); short protein forms P382S, P914S.
Identifiers: ClinVar variation 3775706 (VCV003775706.2).

ClinVar aggregate classification (germline): Likely pathogenic. Review status: criteria provided, multiple submitters, no conflicts (2 of 4 stars). 2 submissions from 2 submitters: Likely pathogenic (2). Last evaluated 2025-08-25.

Conditions:
Kennedy disease (SMAX1). Also called: SPINAL AND BULBAR MUSCULAR ATROPHY, X-LINKED 1; KENNEDY SPINAL AND BULBAR MUSCULAR ATROPHY; Spinal and Bulbar Muscular Atrophy. Identifiers: Orphanet 481, MedGen C1839259, MONDO:0010735, OMIM 313200.
Androgen resistance syndrome (AIS). Also called: ANDROGEN RECEPTOR DEFICIENCY; DIHYDROTESTOSTERONE RECEPTOR DEFICIENCY; TESTICULAR FEMINIZATION SYNDROME; Androgen insensitivity syndrome; Androgen insensitivity; DHTR DEFICIENCY. Identifiers: Orphanet 754, Orphanet 99429, MedGen C0039585, MONDO:0019154, OMIM 300068. Disease mechanism: loss of function.

Submissions (2):

Labcorp Genetics (formerly Invitae), Labcorp
Classification: Likely pathogenic for Kennedy disease; Androgen resistance syndrome. Last evaluated: 2025-08-25. Review status: criteria provided, single submitter. Criteria: Invitae Variant Classification Sherloc (09022015). Collection method: clinical testing. Allele origin: germline.
Comment: This sequence change replaces proline, which is neutral and non-polar, with serine, which is neutral and polar, at codon 914 of the AR protein (p.Pro914Ser). This variant is not present in population databases (gnomAD no frequency). This missense change has been observed in individual(s) with androgen insensitivity syndrome (PMID: 28624954, 32345305). ClinVar contains an entry for this variant (Variation ID: 3775706). Invitae Evidence Modeling of protein sequence and biophysical properties (such as structural, functional, and spatial information, amino acid conservation, physicochemical variation, residue mobility, and thermodynamic stability) has been performed for this missense variant. However, the output from this modeling did not meet the statistical confidence thresholds required to predict the impact of this variant on AR protein function. This variant disrupts the p.Pro914 amino acid residue in AR. Other variant(s) that disrupt this residue have been observed in individuals with AR-related conditions (PMID: 20056211, 32345305), which suggests that this may be a clinically significant amino acid residue. In summary, the currently available evidence indicates that the variant is pathogenic, but additional data are needed to prove that conclusively. Therefore, this variant has been classified as Likely Pathogenic.

3billion
Classification: Likely pathogenic for Androgen resistance syndrome. Last evaluated: 2024-02-24. Review status: criteria provided, single submitter. Criteria: ACMG Guidelines, 2015. Collection method: clinical testing. Allele origin: germline. Affected: yes.
Comment: The variant is not observed in the gnomAD v2.1.1 dataset. Predicted Consequence/Location: Missense variant In silico tool predictions suggest damaging effect of the variant on gene or gene product [REVEL: 0.96 (>=0.6, sensitivity 0.68 and specificity 0.92); 3Cnet: 0.99 (>=0.6, sensitivity 0.72 and precision 0.9)]. Same nucleotide change resulting in same amino acid change has been previously reported to be associated with AR related disorder (PMID: 10425033).The variant has been observed in multiple (>3) similarly affected unrelated individuals (PMID: 10425033, 20150575, 32345305). Different missense changes at the same codon (p.Pro914Ala, p.Pro914Arg, p.Pro914Thr) have been reported to be associated with AR related disorder (ClinVar ID: VCV000421614 /PMID: 20056211, 32345305). Therefore, this variant is classified as Likely pathogenic according to the recommendation of ACMG/AMP guideline.

Literature cited by the submitters: PubMed 28624954 (cited by Labcorp Genetics (formerly Invitae), Labcorp); PubMed 32345305 (cited by Labcorp Genetics (formerly Invitae), Labcorp and 3billion); PubMed 20056211 (cited by Labcorp Genetics (formerly Invitae), Labcorp and 3billion); PubMed 10425033 (cited by 3billion); PubMed 20150575 (cited by 3billion).